The following is an entry in ClinVar:

NM_019055.6(ROBO4):c.1138C>T (p.Arg380Cys)

Gene: ROBO4 (roundabout guidance receptor 4; minus strand). Cytogenetic location: 11q24.2.
Variant type: single nucleotide variant.
Coding change: c.1138C>T on transcript NM_019055.6 (MANE Select); coding-DNA position 1138, C replaced by T.
Protein change: p.Arg380Cys; replaces arginine 380 with cysteine.
Molecular consequence: missense variant.
Genome position (GRCh38, 1-based): chr11:124,895,092, G>A on the plus strand (C>T on the coding strand, the complement: ROBO4 is on the minus strand). VCF-style: chr11-124895092-G-A. GRCh37 (hg19) VCF-style: chr11-124764988-G-A.
Other names: c.703C>T, p.Arg235Cys (NM_001301088.2); short protein forms R380C, R235C.
Identifiers: ClinVar variation 791182 (VCV000791182.8), dbSNP rs77066875, ClinGen allele CA6345060.

ClinVar aggregate classification (germline): Benign. Review status: criteria provided, multiple submitters, no conflicts (2 of 4 stars). 4 submissions from 4 submitters: Benign (3). 1 of the submissions does not count toward it. Last evaluated 2022-12-07.

Conditions:
ROBO4-related disorder. Also called: ROBO4-related condition.
Familial thoracic aortic aneurysm and aortic dissection (TAAD). Also called: Thoracic aortic aneurysms and dissections. Identifiers: Orphanet 91387, MedGen C4707243, MONDO:0019625.

Allele frequency attached by ClinVar (database versions not stated): gnomAD exomes 0.00163 and 0.00450; ExAC 0.00538; gnomAD 0.01735 and 0.01851; ESP Exome Variant Server 0.01792; TOPMed 0.01929; 1000 Genomes Project 0.02017; 1000 Genomes Project 30x 0.02061.
gnomAD v4.1: 5,113 of 1,613,236 alleles (0.32%); highest among the groups gnomAD compares: African/African-American, 5.8%; 139 homozygotes.

Submissions (4):

CHEO Genetics Diagnostic Laboratory, Children's Hospital of Eastern Ontario
Classification: Benign for Familial thoracic aortic aneurysm and aortic dissection. Last evaluated: 2022-12-07. Review status: criteria provided, single submitter. Criteria: ACMG Guidelines, 2015. Collection method: clinical testing. Allele origin: germline.

Labcorp Genetics (formerly Invitae), Labcorp
Classification: Benign. Last evaluated: 2019-12-31. Review status: criteria provided, single submitter. Criteria: Invitae Variant Classification Sherloc (09022015). Collection method: clinical testing. Allele origin: germline.

Breakthrough Genomics
Classification: Benign. Review status: criteria provided, single submitter. Criteria: ACMG Guidelines, 2015. Collection method: not provided. Allele origin: germline. Inheritance: Autosomal dominant inheritance. Affected: yes.

PreventionGenetics, part of Exact Sciences
Classification: Benign for ROBO4-related condition. Last evaluated: 2019-08-09. Review status: no assertion criteria provided. Collection method: clinical testing. Allele origin: germline. Not counted in ClinVar's aggregate classification.
Comment: This variant is classified as benign based on ACMG/AMP sequence variant interpretation guidelines (Richards et al. 2015 PMID: 25741868, with internal and published modifications).